The following is an entry in ClinVar:

ClinVar aggregate classification (germline): Uncertain significance. Review status: criteria provided, single submitter (1 of 4 stars). 2 submissions from 2 submitters: Uncertain significance (1). 1 of the submissions does not count toward it. Last evaluated 2020-11-05.

Conditions:
Familial thoracic aortic aneurysm and aortic dissection (TAAD). Also called: Thoracic aortic aneurysms and dissections. Identifiers: Orphanet 91387, MedGen C4707243, MONDO:0019625.
Marfan syndrome (MFS). Also called: Marfan syndrome type 1; Marfan syndrome, classic; Marfan's syndrome; FBN1-Related Marfan Syndrome; MARFAN SYNDROME, TYPE I. Identifiers: Orphanet 284963, Orphanet 558, MedGen C0024796, MONDO:0007947, OMIM 154700.

Submissions (2):

Labcorp Genetics (formerly Invitae), Labcorp
Classification: Uncertain significance for Marfan syndrome; Familial thoracic aortic aneurysm and aortic dissection. Last evaluated: 2020-11-05. Review status: criteria provided, single submitter. Criteria: Invitae Variant Classification Sherloc (09022015). Collection method: clinical testing. Allele origin: germline.
Comment: Advanced modeling of protein sequence and biophysical properties (such as structural, functional, and spatial information, amino acid conservation, physicochemical variation, residue mobility, and thermodynamic stability) performed at Invitae indicates that this missense variant is expected to disrupt FBN1 protein function. This variant has been observed in individual(s) with clinical features of Marfan syndrome (PMID: 27906200, Invitae). ClinVar contains an entry for this variant (Variation ID: 549322). This variant is not present in population databases (ExAC no frequency). This sequence change replaces serine with proline at codon 1995 of the FBN1 protein (p.Ser1995Pro). The serine residue is moderately conserved and there is a moderate physicochemical difference between serine and proline. In summary, the available evidence is currently insufficient to determine the role of this variant in disease. Therefore, it has been classified as a Variant of Uncertain Significance.

Center for Medical Genetics Ghent, University of Ghent
Classification: Uncertain significance for Marfan syndrome. Last evaluated: 2017-11-07. Review status: no assertion criteria provided. Collection method: clinical testing. Allele origin: germline. Affected: yes. Not counted in ClinVar's aggregate classification.

Literature cited by the submitters: PubMed 27906200 (cited by Labcorp Genetics (formerly Invitae), Labcorp).

NM_000138.5(FBN1):c.5983T>C (p.Ser1995Pro)

Gene: FBN1 (fibrillin 1; minus strand). Cytogenetic location: 15q21.1.
Variant type: single nucleotide variant.
Coding change: c.5983T>C on transcript NM_000138.5 (MANE Select); coding-DNA position 5983, T replaced by C.
Protein change: p.Ser1995Pro; replaces serine 1995 with proline.
Molecular consequence: missense variant.
Genome position (GRCh38, 1-based): chr15:48,444,595, A>G on the plus strand (T>C on the coding strand, the complement: FBN1 is on the minus strand). VCF-style: chr15-48444595-A-G. GRCh37 (hg19) VCF-style: chr15-48736792-A-G.
Other names: short protein forms S1995P.
Identifiers: ClinVar variation 549322 (VCV000549322.8), dbSNP rs1555395649, ClinGen allele CA392339754.